The following is an entry in ClinVar:

ClinVar aggregate classification (germline): Pathogenic (1 of 4 stars; one submission).

Submission:

Labcorp Genetics (formerly Invitae), Labcorp
Classification: Pathogenic. Last evaluated: 2024-12-18. Review status: criteria provided, single submitter. Criteria: Invitae Variant Classification Sherloc (09022015). Collection method: clinical testing. Allele origin: germline.
Comment: This sequence change creates a premature translational stop signal (p.Lys1170Asnfs*49) in the POLE gene. It is expected to result in an absent or disrupted protein product. Loss-of-function variants in POLE are known to be pathogenic (PMID: 23230001, 25948378, 30503519). This variant is not present in population databases (gnomAD no frequency). This variant has not been reported in the literature in individuals affected with POLE-related conditions. For these reasons, this variant has been classified as Pathogenic.

Literature cited by the submitters: PubMed 23230001; PubMed 25948378; PubMed 30503519.

NM_006231.4(POLE):c.3510del (p.Lys1170fs)

Gene: POLE (DNA polymerase epsilon, catalytic subunit; minus strand). Cytogenetic location: 12q24.33.
Variant type: Deletion.
Coding change: c.3510del on transcript NM_006231.4 (MANE Select); coding-DNA position 3510, one base deleted (A; older notation c.3510delA).
Protein change: p.Lys1170fs; shifts the reading frame from lysine 1170.
Molecular consequence: frameshift variant.
Genome position (GRCh38, 1-based): chr12:132,657,208, T deleted on the plus strand (A on the coding strand, the reverse complement: POLE is on the minus strand); the first of 6 consecutive T bases (chr12:132,657,208-132,657,213); deleting any one gives the same sequence. VCF-style (leftmost placement, unchanged base first): chr12-132657207-GT-G. GRCh37 (hg19) VCF-style: chr12-133233793-GT-G.
Other names: short protein forms K1170fs.
Identifiers: ClinVar variation 3688595 (VCV003688595.2).